The following is an entry in ClinVar:

NM_001286.5(CLCN6):c.2296-10G>A

Gene: CLCN6 (chloride voltage-gated channel 6; plus strand). Cytogenetic location: 1p36.22.
Variant type: single nucleotide variant.
Coding change: c.2296-10G>A on transcript NM_001286.5 (MANE Select); 10 bases into the intron before coding-DNA position 2296, G replaced by A.
Molecular consequence: intron variant.
Genome position (GRCh38, 1-based): chr1:11,838,325, G>A. VCF-style: chr1-11838325-G-A. GRCh37 (hg19) VCF-style: chr1-11898382-G-A.
Other names: c.2230-10G>A (NM_001256959.2).
Identifiers: ClinVar variation 1358452 (VCV001358452.8), dbSNP rs372586473, ClinGen allele CA2573130519.
Genomic context (GRCh38, chr1:11,838,325, plus strand): 5'-GAGGGGCTCTAAGGTGACCCTGCTGGCCACTGCTGCCTGAGCACGGACAGTGTCTGGGTT[G>A]GAATTGCAGAGCGCCAGCCAGCCGCGCCTCTCCTATGCCGAGATGGCCGAGGACTACCCG-3'

ClinVar aggregate classification (germline): Uncertain significance (1 of 4 stars; one submission).

Submission:

Labcorp Genetics (formerly Invitae), Labcorp
Classification: Uncertain significance. Last evaluated: 2023-12-11. Review status: criteria provided, single submitter. Criteria: Invitae Variant Classification Sherloc (09022015). Collection method: clinical testing. Allele origin: germline.
Comment: This sequence change falls in intron 20 of the CLCN6 gene. It does not directly change the encoded amino acid sequence of the CLCN6 protein. This variant is not present in population databases (gnomAD no frequency). This variant has not been reported in the literature in individuals affected with CLCN6-related conditions. ClinVar contains an entry for this variant (Variation ID: 1358452). Algorithms developed to predict the effect of sequence changes on RNA splicing suggest that this variant may disrupt the consensus splice site. In summary, the available evidence is currently insufficient to determine the role of this variant in disease. Therefore, it has been classified as a Variant of Uncertain Significance.